The following is an entry in ClinVar:

NM_032043.3(BRIP1):c.2425G>A (p.Gly809Ser)

Gene: BRIP1 (BRCA1 interacting DNA helicase 1; minus strand). Cytogenetic location: 17q23.2.
Variant type: single nucleotide variant.
Coding change: c.2425G>A on transcript NM_032043.3 (MANE Select); coding-DNA position 2425, G replaced by A.
Protein change: p.Gly809Ser; replaces glycine 809 with serine.
Molecular consequence: missense variant.
Genome position (GRCh38, 1-based): chr17:61,716,018, C>T on the plus strand (G>A on the coding strand, the complement: BRIP1 is on the minus strand). VCF-style: chr17-61716018-C-T. GRCh37 (hg19) VCF-style: chr17-59793379-C-T.
Other names: short protein forms G809S.
Identifiers: ClinVar variation 481673 (VCV000481673.15), dbSNP rs1555580892, ClinGen allele CA400479668.
Genomic context (GRCh38, chr17:61,716,018, plus strand): 5'-GGGCCTGGTTTAAGGCCCTGTATGCTTGAATTTCATACCACTGACGGCCAGGTAGAAGAC[C>T]TCTCAATTTTGAATGGTGGTCATTGTATTGTCGTTTTAGTTCAACCTAATAATTTTAAAA-3'
Protein context (NP_114432.2, residues 799-819): QYNDHHSKLR[Gly809Ser]LLPGRQWYEI

ClinVar aggregate classification (germline): Uncertain significance. Review status: criteria provided, multiple submitters, no conflicts (2 of 4 stars). 2 submissions from 2 submitters: Uncertain significance (2). Last evaluated 2024-04-10.

Conditions:
Hereditary cancer-predisposing syndrome. Also called: Hereditary neoplastic syndrome; Neoplastic Syndromes, Hereditary; Tumor predisposition; Hereditary Cancer Syndrome. Identifiers: Orphanet 140162, MedGen C0027672, MeSH D009386, MONDO:0015356.
Fanconi anemia complementation group J. Also called: BRIP1-Related Fanconi Anemia. Identifiers: Orphanet 84, MedGen C1836860, MONDO:0012187, OMIM 609054.
Familial cancer of breast. Also called: BREAST CANCER, FAMILIAL; Hereditary breast cancer; hereditary breast carcinoma. Identifiers: Orphanet 227535, MedGen C0346153, MONDO:0016419, OMIM 114480. Disease mechanism: loss of function.

Allele frequency attached by ClinVar (database versions not stated): gnomAD exomes below 0.00001.

Submissions (2):

Labcorp Genetics (formerly Invitae), Labcorp
Classification: Uncertain significance for Familial cancer of breast; Fanconi anemia complementation group J. Last evaluated: 2024-04-10. Review status: criteria provided, single submitter. Criteria: Invitae Variant Classification Sherloc (09022015). Collection method: clinical testing. Allele origin: germline.
Comment: This sequence change replaces glycine, which is neutral and non-polar, with serine, which is neutral and polar, at codon 809 of the BRIP1 protein (p.Gly809Ser). This variant is not present in population databases (gnomAD no frequency). This variant has not been reported in the literature in individuals affected with BRIP1-related conditions. ClinVar contains an entry for this variant (Variation ID: 481673). Advanced modeling of protein sequence and biophysical properties (such as structural, functional, and spatial information, amino acid conservation, physicochemical variation, residue mobility, and thermodynamic stability) has been performed at Invitae for this missense variant, however the output from this modeling did not meet the statistical confidence thresholds required to predict the impact of this variant on BRIP1 protein function. In summary, the available evidence is currently insufficient to determine the role of this variant in disease. Therefore, it has been classified as a Variant of Uncertain Significance.

Ambry Genetics
Classification: Uncertain significance for Hereditary cancer-predisposing syndrome. Last evaluated: 2022-03-25. Review status: criteria provided, single submitter. Criteria: Ambry Variant Classification Scheme 2023. Collection method: clinical testing. Allele origin: germline.
Comment: The p.G809S variant (also known as c.2425G>A), located in coding exon 16 of the BRIP1 gene, results from a G to A substitution at nucleotide position 2425. The glycine at codon 809 is replaced by serine, an amino acid with similar properties. This amino acid position is highly conserved in available vertebrate species. In addition, the in silico prediction for this alteration is inconclusive. Since supporting evidence is limited at this time, the clinical significance of this alteration remains unclear.